The following is an entry in ClinVar:

ClinVar aggregate classification (germline): Likely benign. Review status: criteria provided, multiple submitters, no conflicts (2 of 4 stars). 2 submissions from 2 submitters: Likely benign (2). Last evaluated 2026-07-20.

Conditions:
Epidermolysis bullosa simplex with nail dystrophy (EBS5D). Identifiers: MedGen C4225309, MONDO:0014661, OMIM 616487.
Autosomal recessive limb-girdle muscular dystrophy type 2Q (LGMDR17). Also called: MUSCULAR DYSTROPHY, LIMB-GIRDLE, AUTOSOMAL RECESSIVE 17. Identifiers: Orphanet 254361, MedGen C3150989, MONDO:0013390, OMIM 613723.
Epidermolysis bullosa simplex, Ogna type (EBS5A). Also called: Pidermolysis bullosa simplex 5A, Ogna type; EPIDERMOLYSIS BULLOSA SIMPLEX 5A, OGNA TYPE. Identifiers: Orphanet 79401, MedGen C0432317, MONDO:0007555, OMIM 131950.
Epidermolysis bullosa simplex 5B, with muscular dystrophy (EBS5B). Also called: Epidermolysis bullosa simplex with muscular dystrophy; EPIDERMOLYSIS BULLOSA SIMPLEX AND LIMB-GIRDLE MUSCULAR DYSTROPHY. Identifiers: Orphanet 257, MedGen C2931072, MONDO:0009181, OMIM 226670.
Epidermolysis bullosa simplex 5C, with pyloric atresia (EBS5C). Also called: PLEC-Related Epidermolysis Bullosa with Pyloric Atresia; Epidermolysis bullosa simplex with pyloric atresia; PLEC1-Related Epidermolysis Bullosa with Pyloric Atresia. Identifiers: Orphanet 158684, MedGen C2677349, MONDO:0012807, OMIM 612138.
PLEC-related disorder. Also called: PLEC-related condition; PLEC-related disorders.

Allele frequency attached by ClinVar (database versions not stated): TOPMed 0.00020; gnomAD 0.00009 and 0.00010.
gnomAD v4.1: 16 of 1,559,386 alleles (0.001%); highest among the groups gnomAD compares: Admixed American, 0.024%; no homozygotes.

Submissions (2):

PreventionGenetics, part of Exact Sciences
Classification: Likely benign for PLEC-related condition. Last evaluated: 2026-07-20. Review status: criteria provided, single submitter. Criteria: ACMG Guidelines, 2015. Collection method: clinical testing. Allele origin: germline.
Comment: This variant is classified as likely benign based on ACMG/AMP sequence variant interpretation guidelines (Richards et al. 2015 PMID: 25741868, with internal and published modifications).

Labcorp Genetics (formerly Invitae), Labcorp
Classification: Likely benign for Autosomal recessive limb-girdle muscular dystrophy type 2Q; Epidermolysis bullosa simplex, Ogna type; Epidermolysis bullosa simplex with nail dystrophy; Epidermolysis bullosa simplex 5C, with pyloric atresia; Epidermolysis bullosa simplex 5B, with muscular dystrophy. Last evaluated: 2025-10-01. Review status: criteria provided, single submitter. Criteria: Invitae Variant Classification Sherloc (09022015). Collection method: clinical testing. Allele origin: germline.

NM_201378.4(PLEC):c.70+7C>T

Gene: PLEC (plectin; minus strand). Cytogenetic location: 8q24.3.
Variant type: single nucleotide variant.
Coding change: c.70+7C>T on transcript NM_201378.4 (MANE Plus Clinical); 7 bases into the intron after coding-DNA position 70, C replaced by T.
Molecular consequence: intron variant.
Genome position (GRCh38, 1-based): chr8:143,973,396, G>A on the plus strand (C>T on the coding strand, the complement: PLEC is on the minus strand). VCF-style: chr8-143973396-G-A. GRCh37 (hg19) VCF-style: chr8-145047564-G-A.
Other names: c.193+1781C>T (NM_001410941.1, NM_000445.5).
Identifiers: ClinVar variation 1135333 (VCV001135333.9), dbSNP rs781790050, ClinGen allele CA4929116.
Genomic context (GRCh38, chr8:143,973,396, plus strand): 5'-ACGACAAGGTGCTCGGCGGCTGGGCTGTCAGGAGCGGCCCGACAGGCAGCGGGACGGGGG[G>A]CCGTACCTTTGTACTTCTCGCGCACCTCCTCGTAGGCCTGGATGAAGTCCTGCTCGTCGG-3'